The following is an entry in ClinVar:

NM_000138.5(FBN1):c.2923C>T (p.His975Tyr)

Gene: FBN1 (fibrillin 1; minus strand). Cytogenetic location: 15q21.1.
Variant type: single nucleotide variant.
Coding change: c.2923C>T on transcript NM_000138.5 (MANE Select); coding-DNA position 2923, C replaced by T.
Protein change: p.His975Tyr; replaces histidine 975 with tyrosine.
Molecular consequence: missense variant.
Genome position (GRCh38, 1-based): chr15:48,490,010, G>A on the plus strand (C>T on the coding strand, the complement: FBN1 is on the minus strand). VCF-style: chr15-48490010-G-A. GRCh37 (hg19) VCF-style: chr15-48782207-G-A.
Other names: short protein forms H975Y.
Identifiers: ClinVar variation 650941 (VCV000650941.10), dbSNP rs1597565510, ClinGen allele CA392329742.

ClinVar aggregate classification (germline): Uncertain significance. Review status: criteria provided, multiple submitters, no conflicts (2 of 4 stars). 2 submissions from 2 submitters: Uncertain significance (2). Last evaluated 2026-01-08.

Conditions:
Familial thoracic aortic aneurysm and aortic dissection (TAAD). Also called: Thoracic aortic aneurysms and dissections. Identifiers: Orphanet 91387, MedGen C4707243, MONDO:0019625.
Marfan syndrome (MFS). Also called: FBN1-Related Marfan Syndrome; Marfan syndrome type 1; Marfan's syndrome; Marfan syndrome, classic; MARFAN SYNDROME, TYPE I. Identifiers: Orphanet 284963, Orphanet 558, MedGen C0024796, MONDO:0007947, OMIM 154700.

Allele frequency attached by ClinVar (database versions not stated): gnomAD exomes below 0.00001.
gnomAD v4.1: 2 of 1,614,114 alleles (0.00012%); highest among the groups gnomAD compares: South Asian, 0.0022%; no homozygotes.

Submissions (2):

GeneDx
Classification: Uncertain significance. Last evaluated: 2026-01-08. Review status: criteria provided, single submitter. Criteria: GeneDx Variant Classification Process June 2021. Collection method: clinical testing. Allele origin: germline.
Comment: Not observed at significant frequency in large population cohorts (gnomAD); In silico analysis suggests that this missense variant does not alter protein structure/function; Has not been previously published as pathogenic or benign to our knowledge; Does not affect a cysteine or calcium-binding residue within an EGF-like domain or a TGF-binding protein domain of the FBN1 gene; cysteine substitutions in the EGF-like domains represent the majority of pathogenic missense changes associated with FBN1-related disorders (PMID: 12938084); This variant is associated with the following publications: (PMID: 12938084)

Labcorp Genetics (formerly Invitae), Labcorp
Classification: Uncertain significance for Marfan syndrome; Familial thoracic aortic aneurysm and aortic dissection. Last evaluated: 2018-10-08. Review status: criteria provided, single submitter. Criteria: Invitae Variant Classification Sherloc (09022015). Collection method: clinical testing. Allele origin: germline.
Comment: In summary, the available evidence is currently insufficient to determine the role of this variant in disease. Therefore, it has been classified as a Variant of Uncertain Significance. Algorithms developed to predict the effect of missense changes on protein structure and function are either unavailable or do not agree on the potential impact of this missense change (SIFT: "Tolerated"; PolyPhen-2: "Probably Damaging"; Align-GVGD: "Class C0"). This variant is not present in population databases (ExAC no frequency). This sequence change replaces histidine with tyrosine at codon 975 of the FBN1 protein (p.His975Tyr). The histidine residue is highly conserved and there is a moderate physicochemical difference between histidine and tyrosine.